The following is an entry in ClinVar:

NC_000010.10:g.(?_79737218)_(79762086_?)dup

Gene: POLR3A (RNA polymerase III subunit A; minus strand). Cytogenetic location: 10q22.3.
Variant type: Duplication.
Identifiers: ClinVar variation 1440641 (VCV001440641.4).

ClinVar aggregate classification (germline): Uncertain significance (1 of 4 stars; one submission).

Submission:

Labcorp Genetics (formerly Invitae), Labcorp
Classification: Uncertain significance. Last evaluated: 2021-07-15. Review status: criteria provided, single submitter. Criteria: Invitae Variant Classification Sherloc (09022015). Collection method: clinical testing. Allele origin: germline.
Comment: In summary, the available evidence is currently insufficient to determine the role of this variant in disease. Therefore, it has been classified as a Variant of Uncertain Significance. Experimental studies and prediction algorithms are not available or were not evaluated, and the functional significance of this variant is currently unknown. This variant has not been reported in the literature in individuals affected with POLR3A-related conditions. This variant results in a copy number gain of the genomic region encompassing exon(s) 17-31 of the POLR3A gene. The 5' boundary is likely confined to intron 16. The 3' end of this event is unknown as it extends beyond the assayed region for this gene and therefore may encompass additional genes. As the precise location of this event is unknown, it may be in tandem or it may be located elsewhere in the genome.